The following is an entry in ClinVar:

ClinVar aggregate classification (germline): Conflicting classifications of pathogenicity. Review status: criteria provided, conflicting classifications (1 of 4 stars). 6 submissions from 6 submitters: Uncertain significance (5); Likely benign (1). Last evaluated 2026-01-24.

Conditions:
Cardiovascular phenotype. Identifiers: MedGen CN230736.
Cardiomyopathy (CMYO). Also called: Cardiomyopathies. Identifiers: Orphanet 167848, MedGen C0878544, MONDO:0004994, HP:0001638. Inheritance: Various modes of inheritance.
Dilated cardiomyopathy 1HH (CMD1HH). Identifiers: Orphanet 154, MedGen C3151293, MONDO:0013479, OMIM 613881.
Myofibrillar myopathy 6. Identifiers: Orphanet 199340, MedGen C2751831, MONDO:0013061, OMIM 612954.
BAG3-related disorder. Also called: BAG3-related condition.

Allele frequency attached by ClinVar (database versions not stated): gnomAD exomes below 0.00001 and 0.00001; ExAC 0.00001; gnomAD 0.00001 and 0.00002; TOPMed 0.00002.
gnomAD v4.1: 29 of 1,614,144 alleles (0.0018%); highest among the groups gnomAD compares: Middle Eastern, 0.082%; no homozygotes.

Submissions (6):

Labcorp Genetics (formerly Invitae), Labcorp
Classification: Uncertain significance for Dilated cardiomyopathy 1HH; Myofibrillar myopathy 6. Last evaluated: 2026-01-24. Review status: criteria provided, single submitter. Criteria: Invitae Variant Classification Sherloc (09022015). Collection method: clinical testing. Allele origin: germline.
Comment: This sequence change replaces glycine, which is neutral and non-polar, with serine, which is neutral and polar, at codon 483 of the BAG3 protein (p.Gly483Ser). This variant is present in population databases (rs570294713, gnomAD 0.002%). This missense change has been observed in individual(s) with dilated cardiomyopathy (PMID: 37652022). ClinVar contains an entry for this variant (Variation ID: 515906). Invitae Evidence Modeling of protein sequence and biophysical properties (such as structural, functional, and spatial information, amino acid conservation, physicochemical variation, residue mobility, and thermodynamic stability) indicates that this missense variant is expected to disrupt BAG3 protein function with a positive predictive value of 80%. In summary, the available evidence is currently insufficient to determine the role of this variant in disease. Therefore, it has been classified as a Variant of Uncertain Significance.

Ambry Genetics
Classification: Uncertain significance for Cardiovascular phenotype. Last evaluated: 2023-07-27. Review status: criteria provided, single submitter. Criteria: Ambry Variant Classification Scheme 2023. Collection method: clinical testing. Allele origin: germline.
Comment: The p.G483S variant (also known as c.1447G>A), located in coding exon 4 of the BAG3 gene, results from a G to A substitution at nucleotide position 1447. The glycine at codon 483 is replaced by serine, an amino acid with similar properties. This amino acid position is highly conserved in available vertebrate species. In addition, this alteration is predicted to be deleterious by in silico analysis. Since supporting evidence is limited at this time, the clinical significance of this alteration remains unclear.

PreventionGenetics, part of Exact Sciences
Classification: Uncertain significance for BAG3-related condition. Last evaluated: 2022-09-20. Review status: criteria provided, single submitter. Criteria: ACMG Guidelines, 2015. Collection method: clinical testing. Allele origin: germline.
Comment: The BAG3 c.1447G>A variant is predicted to result in the amino acid substitution p.Gly483Ser. To our knowledge, this variant has not been reported in the literature. This variant is reported in 0.0015% of alleles in individuals of European (Non-Finnish) descent in gnomAD. At this time, the clinical significance of this variant is uncertain due to the absence of conclusive functional and genetic evidence.

Mayo Clinic Laboratories, Mayo Clinic
Classification: Uncertain significance. Last evaluated: 2022-02-11. Review status: criteria provided, single submitter. Criteria: ACMG Guidelines, 2015. Collection method: clinical testing. Allele origin: germline. Observed: 2 variant alleles.

CHEO Genetics Diagnostic Laboratory, Children's Hospital of Eastern Ontario
Classification: Uncertain significance for Cardiomyopathy. Last evaluated: 2021-10-14. Review status: criteria provided, single submitter. Criteria: ACMG Guidelines, 2015. Collection method: clinical testing. Allele origin: germline.

GeneDx
Classification: Likely benign. Last evaluated: 2018-03-08. Review status: criteria provided, single submitter. Criteria: GeneDx Variant Classification (06012015). Collection method: clinical testing. Allele origin: germline. Affected: yes.
Comment: This variant is considered likely benign or benign based on one or more of the following criteria: it is a conservative change, it occurs at a poorly conserved position in the protein, it is predicted to be benign by multiple in silico algorithms, and/or has population frequency not consistent with disease.

Literature cited by the submitters: PubMed 37652022 (cited by Labcorp Genetics (formerly Invitae), Labcorp).

NM_004281.4(BAG3):c.1447G>A (p.Gly483Ser)

Gene: BAG3 (BAG cochaperone 3; plus strand). Cytogenetic location: 10q26.11.
Variant type: single nucleotide variant.
Coding change: c.1447G>A on transcript NM_004281.4 (MANE Select); coding-DNA position 1447, G replaced by A.
Protein change: p.Gly483Ser; replaces glycine 483 with serine.
Molecular consequence: missense variant.
Genome position (GRCh38, 1-based): chr10:119,677,001, G>A. VCF-style: chr10-119677001-G-A. GRCh37 (hg19) VCF-style: chr10-121436513-G-A.
Other names: p.Gly483Ser; short protein forms G483S.
Identifiers: ClinVar variation 515906 (VCV000515906.15), dbSNP rs570294713, ClinGen allele CA5716554.